The following is an entry in ClinVar:

ClinVar aggregate classification (germline): Uncertain significance (1 of 4 stars; one submission).

Allele frequency attached by ClinVar (database versions not stated): TOPMed below 0.00001.
gnomAD v4.1: 1 of 1,614,154 alleles (0.000062%); highest among the groups gnomAD compares: East Asian, 0.0022%; no homozygotes.

Submission:

Labcorp Genetics (formerly Invitae), Labcorp
Classification: Uncertain significance. Last evaluated: 2022-07-18. Review status: criteria provided, single submitter. Criteria: Invitae Variant Classification Sherloc (09022015). Collection method: clinical testing. Allele origin: germline.
Comment: This variant has not been reported in the literature in individuals affected with SNAI2-related conditions. In summary, the available evidence is currently insufficient to determine the role of this variant in disease. Therefore, it has been classified as a Variant of Uncertain Significance. Algorithms developed to predict the effect of missense changes on protein structure and function are either unavailable or do not agree on the potential impact of this missense change (SIFT: "Deleterious"; PolyPhen-2: "Benign"; Align-GVGD: "Class C0"). ClinVar contains an entry for this variant (Variation ID: 1367551). This variant is present in population databases (no rsID available, gnomAD 0.006%). This sequence change replaces glutamine, which is neutral and polar, with arginine, which is basic and polar, at codon 242 of the SNAI2 protein (p.Gln242Arg).

NM_003068.5(SNAI2):c.725A>G (p.Gln242Arg)

Gene: SNAI2 (snail family transcriptional repressor 2; minus strand). Cytogenetic location: 8q11.21.
Variant type: single nucleotide variant.
Coding change: c.725A>G on transcript NM_003068.5 (MANE Select); coding-DNA position 725, A replaced by G.
Protein change: p.Gln242Arg; replaces glutamine 242 with arginine.
Molecular consequence: missense variant.
Genome position (GRCh38, 1-based): chr8:48,918,889, T>C on the plus strand (A>G on the coding strand, the complement: SNAI2 is on the minus strand). VCF-style: chr8-48918889-T-C. GRCh37 (hg19) VCF-style: chr8-49831448-T-C.
Other names: short protein forms Q242R.
Identifiers: ClinVar variation 1367551 (VCV001367551.6), dbSNP rs750242653, ClinGen allele CA371183351.